The following is an entry in ClinVar:

ClinVar aggregate classification (germline): Uncertain significance (1 of 4 stars; one submission).

Conditions:
LAMB2-related infantile-onset nephrotic syndrome. Also called: Nephrotic Syndrome, type 5; NEPHROTIC SYNDROME, TYPE 5, WITHOUT OCULAR ABNORMALITIES; NEPHROTIC SYNDROME, TYPE 5, WITH OCULAR ABNORMALITIES. Identifiers: Orphanet 306507, MedGen C3280113, MONDO:0013621, OMIM 614199.
Pierson syndrome. Also called: MICROCORIA-CONGENITAL NEPHROTIC SYNDROME. Identifiers: Orphanet 2670, MedGen C1836876, MONDO:0012184, OMIM 609049.

Allele frequency attached by ClinVar (database versions not stated): ExAC 0.00001; gnomAD 0.00001; TOPMed 0.00002; ESP Exome Variant Server 0.00008.
gnomAD v4.1: 2 of 1,613,990 alleles (0.00012%); highest among the groups gnomAD compares: African/African-American, 0.0027%; no homozygotes.

Submission:

Labcorp Genetics (formerly Invitae), Labcorp
Classification: Uncertain significance for LAMB2-related infantile-onset nephrotic syndrome; Pierson syndrome. Last evaluated: 2025-06-12. Review status: criteria provided, single submitter. Criteria: Invitae Variant Classification Sherloc (09022015). Collection method: clinical testing. Allele origin: germline.
Comment: This sequence change replaces aspartic acid, which is acidic and polar, with asparagine, which is neutral and polar, at codon 975 of the LAMB2 protein (p.Asp975Asn). This variant is present in population databases (rs370271440, gnomAD 0.007%). This variant has not been reported in the literature in individuals affected with LAMB2-related conditions. ClinVar contains an entry for this variant (Variation ID: 1949024). An algorithm developed to predict the effect of missense changes on protein structure and function (PolyPhen-2) suggests that this variant is likely to be tolerated. In summary, the available evidence is currently insufficient to determine the role of this variant in disease. Therefore, it has been classified as a Variant of Uncertain Significance.

NM_002292.4(LAMB2):c.2923G>A (p.Asp975Asn)

Gene: LAMB2 (laminin subunit beta 2; minus strand). Cytogenetic location: 3p21.31.
Variant type: single nucleotide variant.
Coding change: c.2923G>A on transcript NM_002292.4 (MANE Select); coding-DNA position 2923, G replaced by A.
Protein change: p.Asp975Asn; replaces aspartic acid 975 with asparagine.
Molecular consequence: missense variant.
Genome position (GRCh38, 1-based): chr3:49,124,887, C>T on the plus strand (G>A on the coding strand, the complement: LAMB2 is on the minus strand). VCF-style: chr3-49124887-C-T. GRCh37 (hg19) VCF-style: chr3-49162320-C-T.
Other names: short protein forms D975N.
Identifiers: ClinVar variation 1949024 (VCV001949024.5), dbSNP rs370271440, ClinGen allele CA2394162.